The following is an entry in ClinVar:

NM_001394062.1(MACF1):c.190G>T (p.Asp64Tyr)

Gene: MACF1 (microtubule actin crosslinking factor 1; plus strand). Cytogenetic location: 1p34.3.
Variant type: single nucleotide variant.
Coding change: c.190G>T on transcript NM_001394062.1 (MANE Select); coding-DNA position 190, G replaced by T.
Protein change: p.Asp64Tyr; replaces aspartic acid 64 with tyrosine.
Molecular consequence: missense variant.
Genome position (GRCh38, 1-based): chr1:39,250,032, G>T. VCF-style: chr1-39250032-G-T. GRCh37 (hg19) VCF-style: chr1-39715704-G-T.
Other names: c.301G>T, p.Asp101Tyr (NM_012090.5); short protein forms D101Y, D64Y.
Identifiers: ClinVar variation 2497768 (VCV002497768.1), dbSNP rs2522889961, ClinGen allele CA339751517.

ClinVar aggregate classification (germline): Uncertain significance (1 of 4 stars; one submission).

Allele frequency attached by ClinVar (database versions not stated): gnomAD exomes below 0.00001.

Submission:

GeneDx
Classification: Uncertain significance. Last evaluated: 2022-10-10. Review status: criteria provided, single submitter. Criteria: GeneDx Variant Classification Process June 2021. Collection method: clinical testing. Allele origin: germline. Affected: yes.
Comment: Not observed at significant frequency in large population cohorts (gnomAD); In silico analysis supports that this missense variant has a deleterious effect on protein structure/function; Has not been previously published as pathogenic or benign to our knowledge